The following is an entry in ClinVar:

ClinVar aggregate classification (germline): Pathogenic. Review status: criteria provided, single submitter (1 of 4 stars). 3 submissions from 3 submitters: Pathogenic (1). 2 of the submissions do not count toward it. Last evaluated 2023-12-03.

Conditions:
Hearing loss, autosomal recessive. Also called: Nonsyndromic Hearing Loss, Recessive; Deafness, autosomal recessive; Autosomal recessive nonsyndromic deafness; Rare autosomal recessive non-syndromic sensorineural deafness type DFNB. Identifiers: Orphanet 90635, Orphanet 90636, MedGen C1846647, MONDO:0019588, OMIM 607197.
Autosomal recessive nonsyndromic hearing loss 2. Also called: DEAFNESS, AUTOSOMAL RECESSIVE 2; NEUROSENSORY NONSYNDROMIC RECESSIVE DEAFNESS 2. Identifiers: Orphanet 90636, MedGen C1838701, MONDO:0010807, OMIM 600060.
Usher syndrome type 1 (USH1). Also called: RETINITIS PIGMENTOSA AND CONGENITAL DEAFNESS. Identifiers: Orphanet 231169, Orphanet 886, MedGen C1568247, MONDO:0010168, OMIM 276900.

Allele frequency attached by ClinVar (database versions not stated): TOPMed below 0.00001; ExAC 0.00001; gnomAD exomes 0.00001.
gnomAD v4.1: 3 of 1,613,756 alleles (0.00019%); highest among the groups gnomAD compares: South Asian, 0.0022%; no homozygotes.

Submissions (3):

Labcorp Genetics (formerly Invitae), Labcorp
Classification: Pathogenic. Last evaluated: 2023-12-03. Review status: criteria provided, single submitter. Criteria: Invitae Variant Classification Sherloc (09022015). Collection method: clinical testing. Allele origin: germline.
Comment: This sequence change creates a premature translational stop signal (p.Gln531*) in the MYO7A gene. It is expected to result in an absent or disrupted protein product. Loss-of-function variants in MYO7A are known to be pathogenic (PMID: 8900236, 25404053). This variant is present in population databases (rs781951909, gnomAD 0.006%). This premature translational stop signal has been observed in individual(s) with Usher syndrome (PMID: 18181211). ClinVar contains an entry for this variant (Variation ID: 553105). For these reasons, this variant has been classified as Pathogenic.

Counsyl
Classification: Likely pathogenic for Usher syndrome type 1; Autosomal recessive nonsyndromic hearing loss 2. Last evaluated: 2017-07-27. Review status: no assertion criteria provided. Collection method: clinical testing. Allele origin: unknown. Not counted in ClinVar's aggregate classification.

University of Washington Center for Mendelian Genomics, University of Washington
Classification: Likely pathogenic for non-syndromic autosomal recessive hearing loss. Review status: no assertion criteria provided. Collection method: research. Allele origin: inherited. Affected: yes. Not counted in ClinVar's aggregate classification.

Literature cited by the submitters: PubMed 8900236 (cited by Labcorp Genetics (formerly Invitae), Labcorp); PubMed 25404053 (cited by Labcorp Genetics (formerly Invitae), Labcorp); PubMed 18181211 (cited by Labcorp Genetics (formerly Invitae), Labcorp and Counsyl); PubMed 30303587 (cited by University of Washington Center for Mendelian Genomics, University of Washington).

NM_000260.4(MYO7A):c.1591C>T (p.Gln531Ter)

Gene: MYO7A (myosin VIIA; plus strand). Cytogenetic location: 11q13.5.
Variant type: single nucleotide variant.
Coding change: c.1591C>T on transcript NM_000260.4 (MANE Select); coding-DNA position 1591, C replaced by T.
Protein change: p.Gln531Ter; replaces glutamine 531 with a stop codon.
Molecular consequence: nonsense.
Genome position (GRCh38, 1-based): chr11:77,162,889, C>T. VCF-style: chr11-77162889-C-T. GRCh37 (hg19) VCF-style: chr11-76873935-C-T.
Other names: c.1591C>T, p.Gln531Ter (NM_001127180.2); c.1558C>T, p.Gln520Ter (NM_001369365.1); short protein forms Q531*, Q520*.
Identifiers: ClinVar variation 553105 (VCV000553105.7), dbSNP rs781951909, ClinGen allele CA6197526.
Genomic context (GRCh38, chr11:77,162,889, plus strand): 5'-CACAGCTGCCCCTCCACTCCCCAGGGCACAGACACCACCATGTTACACAAGCTGAACTCC[C>T]AGCACAAGCTCAACGCCAACTACATCCCCCCCAAGAACAACCATGAGACCCAGTTTGGCA-3'